The following is an entry in ClinVar:

NM_001032283.3(TMPO):c.1044G>C (p.Met348Ile)

Gene: TMPO (thymopoietin; plus strand). Cytogenetic location: 12q23.1.
Variant type: single nucleotide variant.
Coding change: c.1044G>C on transcript NM_001032283.3 (MANE Select); coding-DNA position 1044, G replaced by C.
Protein change: p.Met348Ile; replaces methionine 348 with isoleucine.
Molecular consequence: missense variant.
Genome position (GRCh38, 1-based): chr12:98,546,412, G>C. VCF-style: chr12-98546412-G-C. GRCh37 (hg19) VCF-style: chr12-98940190-G-C.
Other names: c.717G>C, p.Met239Ile (NM_001032284.3); c.924G>C, p.Met308Ile (NM_001307975.2); short protein forms M239I, M308I, M348I.
Identifiers: ClinVar variation 3390642 (VCV003390642.1).

ClinVar aggregate classification (germline): Uncertain significance (1 of 4 stars; one submission).

Submission:

GeneDx
Classification: Uncertain significance. Last evaluated: 2024-06-14. Review status: criteria provided, single submitter. Criteria: GeneDx Variant Classification Process June 2021. Collection method: clinical testing. Allele origin: germline. Affected: yes.
Comment: Not observed at significant frequency in large population cohorts (gnomAD); In silico analysis is inconclusive as to whether the variant alters gene splicing. In the absence of RNA/functional studies, the actual effect of this sequence change is unknown; In silico analysis supports that this missense variant does not alter protein structure/function; Has not been previously published as pathogenic or benign to our knowledge; Reported using an alternate transcript of the gene